The following is an entry in ClinVar:

ClinVar aggregate classification (germline): Pathogenic/Likely pathogenic. Review status: criteria provided, multiple submitters, no conflicts (2 of 4 stars). 4 submissions from 4 submitters: Pathogenic (1); Likely pathogenic (3). Last evaluated 2026-01-28.

Conditions:
Generalized dominant dystrophic epidermolysis bullosa (DDEB). Also called: Dominant DEB (DDEB); DDEB, generalized; DDEB-gen; DYSTROPHIC EPIDERMOLYSIS BULLOSA, AUTOSOMAL DOMINANT; Epidermolysis bullosa dystrophica, autosomal dominant. Identifiers: Orphanet 231568, MedGen C0432322, MONDO:0007549, OMIM 131750.
Transient bullous dermolysis of the newborn (TBDN). Also called: EPIDERMOLYSIS BULLOSA DYSTROPHICA, NEONATAL FORM; DYSTROPHIC EPIDERMOLYSIS BULLOSA, NEONATAL. Identifiers: Orphanet 79411, MedGen C1851573, MONDO:0007548, OMIM 131705.
Nonsyndromic congenital nail disorder 8. Also called: TOENAIL DYSTROPHY, ISOLATED. Identifiers: MedGen C1843761, MONDO:0011852, OMIM 607523.
Epidermolysis bullosa pruriginosa. Also called: DEB, PRURIGINOSA; DYSTROPHIC EPIDERMOLYSIS BULLOSA PRURIGINOSA. Identifiers: Orphanet 89843, MedGen C1275114, MONDO:0011398, OMIM 604129.
Pretibial dystrophic epidermolysis bullosa. Also called: Pretibial epidermolysis bullosa; EPIDERMOLYSIS BULLOSA DYSTROPHICA, PRETIBIAL; Pretibial blistering. Identifiers: Orphanet 79410, MedGen C0432321, MONDO:0007552, OMIM 131850, HP:0012221.
Dominant dystrophic epidermolysis bullosa with absence of skin. Also called: EPIDERMOLYSIS BULLOSA WITH CONGENITAL LOCALIZED ABSENCE OF SKIN AND DEFORMITY OF NAILS; EPIDERMOLYSIS BULLOSA DYSTROPHICA, BART TYPE. Identifiers: MedGen C0268371, MONDO:0007557, OMIM 132000.
Recessive dystrophic epidermolysis bullosa (RDEB). Also called: Hallopeau-Siemens Disease; Recessive DEB (RDEB); epidermolysis bullosa dystrophica, autosomal recessive; Epidermolysis Bullosa Distrophica Autosomal Recessive (RDEB); EPIDERMOLYSIS BULLOSA DYSTROPHICA, GENERALIZED SEVERE, AUTOSOMAL RECESSIVE; DYSTROPHIC EPIDERMOLYSIS BULLOSA, AUTOSOMAL RECESSIVE. Identifiers: Orphanet 79408, Orphanet 79409, MedGen C0079474, MONDO:0009179, OMIM 226600.
COL7A1-related disorder. Also called: COL7A1- related disorders; COL7A1-related condition.

Allele frequency attached by ClinVar (database versions not stated): 1000 Genomes Project 30x 0.00078; 1000 Genomes Project 0.00080; gnomAD below 0.00001 and 0.00013; gnomAD exomes 0.00019 and 0.00043; ExAC 0.00047.
gnomAD v4.1: 288 of 1,609,430 alleles (0.018%); highest among the groups gnomAD compares: South Asian, 0.31%; 4 homozygotes.

Submissions (4):

Labcorp Genetics (formerly Invitae), Labcorp
Classification: Pathogenic. Last evaluated: 2026-01-28. Review status: criteria provided, single submitter. Criteria: Invitae Variant Classification Sherloc (09022015). Collection method: clinical testing. Allele origin: germline.
Comment: This sequence change affects a donor splice site in intron 2 of the COL7A1 gene. It is expected to disrupt RNA splicing. Variants that disrupt the donor or acceptor splice site typically lead to a loss of protein function (PMID: 16199547), and loss-of-function variants in COL7A1 are known to be pathogenic (PMID: 16971478). This variant is present in population databases (rs561997536, gnomAD 0.4%), including at least one homozygous and/or hemizygous individual. Disruption of this splice site has been observed in individual(s) with autosomal recessive dystrophic epidermolysis bullosa (PMID: 32484238). In at least one individual the data is consistent with being in trans (on the opposite chromosome) from a pathogenic variant. ClinVar contains an entry for this variant (Variation ID: 345889). Algorithms developed to predict the effect of sequence changes on RNA splicing suggest that this variant may disrupt the consensus splice site. For these reasons, this variant has been classified as Pathogenic.

PreventionGenetics, part of Exact Sciences
Classification: Likely pathogenic for COL7A1-related condition. Last evaluated: 2025-06-23. Review status: criteria provided, single submitter. Criteria: ACMG Guidelines, 2015. Collection method: clinical testing. Allele origin: germline.
Comment: The COL7A1 c.266+2T>C variant is predicted to disrupt the GT donor site and interfere with normal splicing. To our knowledge, this variant has not been reported in the literature. This variant is reported in 0.34% of alleles in individuals of South Asian descent in gnomAD. A similar variant that affects splicing (c.266+1G>A) was found in a individual with recessive dystrophic epidermolysis bullosa (Table S3, Chen et al. 2020. PubMed ID: 32484238). Variants that disrupt the consensus splice donor site in COL7A1 are expected to be pathogenic. This variant is interpreted as likely pathogenic.

Women's Health and Genetics/Laboratory Corporation of America, LabCorp
Classification: Likely pathogenic for Dystrophic Epidermolysis Bullosa, Recessive. Last evaluated: 2025-04-10. Review status: criteria provided, single submitter. Criteria: LabCorp Variant Classification Summary - May 2015. Collection method: clinical testing. Allele origin: germline.
Comment: Variant summary: COL7A1 c.266+2T>C is located in a canonical splice-site and is predicted to affect mRNA splicing resulting in a significantly altered protein due to either exon skipping, shortening, or inclusion of intronic material. Variants that disrupt the consensus splice site are a relatively common cause of aberrant splicing and loss of COL7A1 function. The variant allele was found at a frequency of 0.00043 in 248876 control chromosomes (gnomAD). This frequency is not significantly higher than estimated for a pathogenic variant in COL7A1 causing Dystrophic Epidermolysis Bullosa, Recessive, allowing no conclusion about variant significance. To our knowledge, no occurrence of c.266+2T>C in individuals affected with Dystrophic Epidermolysis Bullosa, Recessive and no experimental evidence demonstrating its impact on protein function have been reported. The following publication have been ascertained in the context of this evaluation (PMID: 35150601). ClinVar contains an entry for this variant (Variation ID: 345889). Based on the evidence outlined above, the variant was classified as likely pathogenic.

Fulgent Genetics
Classification: Likely pathogenic for Transient bullous dermolysis of the newborn; Generalized dominant dystrophic epidermolysis bullosa; Pretibial dystrophic epidermolysis bullosa; Dominant dystrophic epidermolysis bullosa with absence of skin; Recessive dystrophic epidermolysis bullosa; Epidermolysis bullosa pruriginosa; Nonsyndromic congenital nail disorder 8. Last evaluated: 2023-12-31. Review status: criteria provided, single submitter. Criteria: ACMG Guidelines, 2015. Collection method: clinical testing. Allele origin: germline.

Literature cited by the submitters: PubMed 16199547 (cited by Labcorp Genetics (formerly Invitae), Labcorp); PubMed 16971478 (cited by Labcorp Genetics (formerly Invitae), Labcorp); PubMed 32484238 (cited by Labcorp Genetics (formerly Invitae), Labcorp); PubMed 35150601 (cited by Women's Health and Genetics/Laboratory Corporation of America, LabCorp).

NM_000094.4(COL7A1):c.266+2T>C

Gene: COL7A1 (collagen type VII alpha 1 chain; minus strand). Cytogenetic location: 3p21.31.
Variant type: single nucleotide variant.
Coding change: c.266+2T>C on transcript NM_000094.4 (MANE Select); the canonical splice donor site of the intron after coding-DNA position 266, T replaced by C.
Molecular consequence: splice donor variant.
Genome position (GRCh38, 1-based): chr3:48,594,366, A>G on the plus strand (T>C on the coding strand, the complement: COL7A1 is on the minus strand). VCF-style: chr3-48594366-A-G. GRCh37 (hg19) VCF-style: chr3-48631799-A-G.
Identifiers: ClinVar variation 345889 (VCV000345889.13), dbSNP rs561997536, ClinGen allele CA2381612.